The following is an entry in ClinVar:

ClinVar aggregate classification (germline): Likely pathogenic (1 of 4 stars; one submission).

Conditions:
Congenital anomalies of kidney and urinary tract syndrome with or without hearing loss, abnormal ears, or developmental delay. Also called: Congenital Anomalies of the Kidney and Urinary Tract syndrome with or without Hearing Loss, Abnormal Ears, or Developmental Delay. Identifiers: Orphanet 656130, MedGen C4539968, MONDO:0060549, OMIM 617641.

Submission:

Greenwood Genetic Center Diagnostic Laboratories, Greenwood Genetic Center
Classification: Likely pathogenic for Congenital anomalies of kidney and urinary tract syndrome with or without hearing loss, abnormal ears, or developmental delay. Last evaluated: 2022-08-01. Review status: criteria provided, single submitter. Criteria: ACMG Guidelines, 2015. Collection method: clinical testing. Allele origin: germline. Affected: yes.
Comment: PM2 PM4 PM6

NM_002585.4(PBX1):c.608_619del (p.Ile203_Arg206del)

Gene: PBX1 (PBX homeobox 1; plus strand). Cytogenetic location: 1q23.3.
Variant type: Deletion.
Coding change: c.608_619del on transcript NM_002585.4 (MANE Select); coding-DNA positions 608 to 619, 12 bases deleted (TCATCCACCGCA).
Protein change: p.Ile203_Arg206del.
Molecular consequence: inframe deletion.
Genome position (GRCh38, 1-based): chr1:164,799,796-164,799,807, TCATCCACCGCA deleted; deleting any 12 consecutive bases within chr1:164,799,793-164,799,807 gives the same sequence; the c. name uses the placement nearest the transcript's 3' end. VCF-style (leftmost placement, unchanged base first): chr1-164799792-AGCATCATCCACC-A. GRCh37 (hg19) VCF-style: chr1-164769029-AGCATCATCCACC-A.
Other names: c.608_619del, p.Ile203_Arg206del (NM_001204961.2, NM_001204963.2, NM_001353131.2); c.359_370del, p.Ile120_Arg123del (NM_001353130.1).
Identifiers: ClinVar variation 1710476 (VCV001710476.3), dbSNP rs2526809677, ClinGen allele CA2580061351.